The following is an entry in ClinVar:

NM_005902.4(SMAD3):c.*2227G>A

Gene: SMAD3 (SMAD family member 3; plus strand). Cytogenetic location: 15q22.33.
Variant type: single nucleotide variant.
Coding change: c.*2227G>A on transcript NM_005902.4 (MANE Select); 2227 bases downstream of the stop codon, G replaced by A.
Molecular consequence: 3 prime UTR variant.
Genome position (GRCh38, 1-based): chr15:67,192,763, G>A. VCF-style: chr15-67192763-G-A. GRCh37 (hg19) VCF-style: chr15-67485101-G-A.
Other names: c.*2227G>A (NM_001145102.2, NM_001145103.2, NM_001145104.2).
Identifiers: ClinVar variation 316929 (VCV000316929.8), dbSNP rs11638476, ClinGen allele CA10636433.

ClinVar aggregate classification (germline): Benign. Review status: criteria provided, multiple submitters, no conflicts (2 of 4 stars). 3 submissions from 3 submitters: Benign (3). Last evaluated 2021-05-15.

Conditions:
Aneurysm-osteoarthritis syndrome. Also called: SMAD3-Related Loeys-Dietz Syndrome; Loeys-Dietz syndrome, type 1C; ANEURYSMS-OSTEOARTHRITIS SYNDROME; LOEYS-DIETZ SYNDROME WITH OSTEOARTHRITIS. Identifiers: Orphanet 284984, MedGen C3151087, MONDO:0013426, OMIM 613795.

Allele frequency attached by ClinVar (database versions not stated): 1000 Genomes Project 0.17053; 1000 Genomes Project 30x 0.17395; TOPMed 0.29523; gnomAD 0.30971 and 0.31592; gnomAD exomes 0.34876.
gnomAD v4.1: 75,281 of 231,922 alleles (32%); highest among the groups gnomAD compares: Non-Finnish European, 45%; 15,009 homozygotes.

Submissions (3):

GeneDx
Classification: Benign. Last evaluated: 2021-05-15. Review status: criteria provided, single submitter. Criteria: GeneDx Variant Classification Process June 2021. Collection method: clinical testing. Allele origin: germline. Affected: yes.

Illumina Laboratory Services, Illumina
Classification: Benign for Aneurysm-osteoarthritis syndrome. Last evaluated: 2018-01-12. Review status: criteria provided, single submitter. Criteria: ICSL Variant Classification Criteria 13 December 2019. Collection method: clinical testing. Allele origin: germline.
Comment: This variant was observed in the ICSL laboratory as part of a predisposition screen in an ostensibly healthy population. It had not been previously curated by ICSL or reported in the Human Gene Mutation Database (HGMD: prior to June 1st, 2018), and was therefore a candidate for classification through an automated scoring system. Utilizing variant allele frequency, disease prevalence and penetrance estimates, and inheritance mode, an automated score was calculated to assess if this variant is too frequent to cause the disease. Based on the score and internal cut-off values, a variant classified as benign is not then subjected to further curation. The score for this variant resulted in a classification of benign for this disease.

Breakthrough Genomics
Classification: Benign. Review status: criteria provided, single submitter. Criteria: ACMG Guidelines, 2015. Collection method: not provided. Allele origin: germline. Inheritance: Autosomal dominant inheritance. Affected: yes.